The following is an entry in ClinVar:

NM_004614.5(TK2):c.277A>G (p.Asn93Asp)

Gene: TK2 (thymidine kinase 2; minus strand). Cytogenetic location: 16q21.
Variant type: single nucleotide variant.
Coding change: c.277A>G on transcript NM_004614.5 (MANE Select); coding-DNA position 277, A replaced by G.
Protein change: p.Asn93Asp; replaces asparagine 93 with aspartic acid.
Molecular consequence: missense variant. On other transcripts: 5 prime UTR variant (1), non-coding transcript variant (1), intron variant (1).
Genome position (GRCh38, 1-based): chr16:66,536,972, T>C on the plus strand (A>G on the coding strand, the complement: TK2 is on the minus strand). VCF-style: chr16-66536972-T-C. GRCh37 (hg19) VCF-style: chr16-66570875-T-C.
Other names: c.184A>G, p.Asn62Asp (NM_001172643.1, NM_001271935.1); c.202A>G, p.Asn68Asp (NM_001172644.2); c.130A>G, p.Asn44Asp (NM_001271934.2); c.-15A>G (NM_001272050.2); c.231+4907A>G (NM_001172645.2); short protein forms N44D, N62D, N68D, N93D.
Identifiers: ClinVar variation 3778854 (VCV003778854.2).

ClinVar aggregate classification (germline): Uncertain significance (1 of 4 stars; one submission).

Conditions:
Mitochondrial disease. Also called: Mitochondrial disorders; Mitochondrial disorder. Identifiers: Orphanet 68380, MedGen C0751651, MeSH D028361, MONDO:0044970.

Submission:

Genomenon, Inc
Classification: Uncertain significance for Mitochondrial disease. Last evaluated: 2025-11-24. Review status: criteria provided, single submitter. Criteria: Genomenon Sequence Variant Interpretation Standards - Updated. Collection method: curation. Allele origin: germline. Affected: no.
Comment: TK2 p.Asn93Asp (c.277A>G) is a missense variant that changes the amino acid at residue 93 from Asparagine to Aspartic acid. This variant has been reported in the published literature (22074768, 27393689, 23054556, 32112389). This variant is not present at a significant frequency in gnomAD. In conclusion, we classify TK2 p.Asn93Asp (c.277A>G) as a variant of uncertain significance.

Literature cited by the submitters: PubMed 22074768; PubMed 27393689; PubMed 23054556; PubMed 32112389.